The following is an entry in ClinVar:

NM_201384.3(PLEC):c.8225C>T (p.Pro2742Leu)

Gene: PLEC (plectin; minus strand). Cytogenetic location: 8q24.3.
Variant type: single nucleotide variant.
Coding change: c.8225C>T on transcript NM_201384.3 (MANE Select); coding-DNA position 8225, C replaced by T.
Protein change: p.Pro2742Leu; replaces proline 2742 with leucine.
Molecular consequence: missense variant.
Genome position (GRCh38, 1-based): chr8:143,921,596, G>A on the plus strand (C>T on the coding strand, the complement: PLEC is on the minus strand). VCF-style: chr8-143921596-G-A. GRCh37 (hg19) VCF-style: chr8-144995764-G-A.
Other names: c.8159C>T, p.Pro2720Leu (NM_201379.3); c.8636C>T, p.Pro2879Leu (NM_201380.4); c.8129C>T, p.Pro2710Leu (NM_201381.3); c.8225C>T, p.Pro2742Leu (NM_201382.4); c.8237C>T, p.Pro2746Leu (NM_201383.3); c.8306C>T, p.Pro2769Leu (NM_000445.5); c.4925C>T, p.Pro1642Leu (NM_001410941.1); c.8183C>T, p.Pro2728Leu (NM_201378.4); short protein forms P1642L, P2710L, P2720L, P2728L, P2742L, P2746L, P2769L, P2879L.
Identifiers: ClinVar variation 4881421 (VCV004881421.2).

ClinVar aggregate classification (germline): Uncertain significance (1 of 4 stars; one submission).

gnomAD v4.1: 9 of 1,612,744 alleles (0.00056%); highest among the groups gnomAD compares: Non-Finnish European, 0.00076%; no homozygotes.

Submission:

Dasa
Classification: Uncertain significance. Last evaluated: 2025-06-27. Review status: criteria provided, single submitter. Criteria: DASA Assertion Criteria. Collection method: clinical testing. Allele origin: germline.
Comment: NM_201384.3(PLEC):c.8225C>T (p.Pro2742Leu) is a missense variant that results in the substitution of proline with leucine. This variant is rare in population databases. Computational prediction algorithms are consistent with a deleterious effect. The currently available literature and clinical evidence are not sufficient to establish a definitive association between this variant and the reported condition. Therefore, this variant is classified as a variant of uncertain significance.